The following is an entry in ClinVar:

NM_000290.4(PGAM2):c.427G>A (p.Ala143Thr)

Genes: DBNL (drebrin like; plus strand), PGAM2 (phosphoglycerate mutase 2; minus strand). Cytogenetic location: 7p13.
Variant type: single nucleotide variant.
Coding change: c.427G>A on transcript NM_000290.4 (MANE Select); coding-DNA position 427, G replaced by A.
Protein change: p.Ala143Thr; replaces alanine 143 with threonine.
Molecular consequence: missense variant. On other transcripts: 3 prime UTR variant (6).
Genome position (GRCh38, 1-based): chr7:44,065,000, C>T on the plus strand (G>A on the coding strand, the complement: PGAM2 is on the minus strand). VCF-style: chr7-44065000-C-T. GRCh37 (hg19) VCF-style: chr7-44104599-C-T.
Other names: c.*4084C>T (NM_001014436.3, NM_001122956.2, NM_001284313.2 and 3 more transcripts); short protein forms A143T.
Identifiers: ClinVar variation 2635672 (VCV002635672.2), dbSNP rs775439724, ClinGen allele CA4236572.

ClinVar aggregate classification (germline): Uncertain significance. Review status: criteria provided, multiple submitters, no conflicts (2 of 4 stars). 2 submissions from 2 submitters: Uncertain significance (2). Last evaluated 2024-01-29.

Conditions:
Glycogen storage disease type X (GSD10). Also called: GSD X; MYOPATHY DUE TO PHOSPHOGLYCERATE MUTASE DEFICIENCY; PGAMM DEFICIENCY; PHOSPHOGLYCERATE MUTASE, MUSCLE, DEFICIENCY OF; Glycogen storage disease due to phosphoglycerate mutase deficiency; Dimauro disease. Identifiers: Orphanet 97234, MedGen C0268149, MONDO:0009865, OMIM 261670.
PGAM2-related disorder. Also called: PGAM2-related condition.

Submissions (2):

Fulgent Genetics
Classification: Uncertain significance for Glycogen storage disease type X. Last evaluated: 2024-01-29. Review status: criteria provided, single submitter. Criteria: ACMG Guidelines, 2015. Collection method: clinical testing. Allele origin: germline.

PreventionGenetics, part of Exact Sciences
Classification: Uncertain significance for PGAM2-related condition. Last evaluated: 2022-11-03. Review status: criteria provided, single submitter. Criteria: ACMG Guidelines, 2015. Collection method: clinical testing. Allele origin: germline.
Comment: The PGAM2 c.427G>A variant is predicted to result in the amino acid substitution p.Ala143Thr. To our knowledge, this variant has not been reported in the literature. This variant is reported in 0.0064% of alleles in individuals of African descent in gnomAD. At this time, the clinical significance of this variant is uncertain due to the absence of conclusive functional and genetic evidence.